The following is an entry in ClinVar:

NM_139076.3(ABRAXAS1):c.846G>T (p.Gln282His)

Gene: ABRAXAS1 (abraxas 1, BRCA1 A complex subunit; minus strand). Cytogenetic location: 4q21.23.
Variant type: single nucleotide variant.
Coding change: c.846G>T on transcript NM_139076.3 (MANE Select); coding-DNA position 846, G replaced by T.
Protein change: p.Gln282His; replaces glutamine 282 with histidine.
Molecular consequence: missense variant.
Genome position (GRCh38, 1-based): chr4:83,462,853, C>A on the plus strand (G>T on the coding strand, the complement: ABRAXAS1 is on the minus strand). VCF-style: chr4-83462853-C-A. GRCh37 (hg19) VCF-style: chr4-84384006-C-A.
Other names: c.519G>T, p.Gln173His (NM_001345962.2); short protein forms Q173H, Q282H.
Identifiers: ClinVar variation 1800400 (VCV001800400.9), dbSNP rs2529419339, ClinGen allele CA357256595.
Genomic context (GRCh38, chr4:83,462,853, plus strand): 5'-TTTTAAAGACATAACACATGAATGAAGAAATTCAGAATTTGGAAAAAAGGTCCGTAATGC[C>A]TGACAAAGAAAAATGTTCTCCTGAGGGTCTTTTTGGATGTTCTTCTCTCCTAAACAAAAT-3'
Protein context (NP_620775.2, residues 272-292): KDPQENIFLC[Gln282His]ALRTFFPNSE

ClinVar aggregate classification (germline): Uncertain significance. Review status: criteria provided, multiple submitters, no conflicts (2 of 4 stars). 2 submissions from 2 submitters: Uncertain significance (2). Last evaluated 2025-03-25.

Allele frequency attached by ClinVar (database versions not stated): gnomAD exomes below 0.00001.

Submissions (2):

Ambry Genetics
Classification: Uncertain significance. Last evaluated: 2025-03-25. Review status: criteria provided, single submitter. Criteria: Ambry Variant Classification Scheme 2023. Collection method: clinical testing. Allele origin: germline.
Comment: The p.Q282H variant (also known as c.846G>T), located in coding exon 9 of the FAM175A gene, results from a G to T substitution at nucleotide position 846. The glutamine at codon 282 is replaced by histidine, an amino acid with highly similar properties. This amino acid position is conserved. In addition, this alteration is predicted to be tolerated by in silico analysis. Since supporting evidence is limited at this time, the clinical significance of this alteration remains unclear.

Labcorp Genetics (formerly Invitae), Labcorp
Classification: Uncertain significance. Last evaluated: 2023-08-24. Review status: criteria provided, single submitter. Criteria: Invitae Variant Classification Sherloc (09022015). Collection method: clinical testing. Allele origin: germline.
Comment: In summary, the available evidence is currently insufficient to determine the role of this variant in disease. Therefore, it has been classified as a Variant of Uncertain Significance. Advanced modeling of protein sequence and biophysical properties (such as structural, functional, and spatial information, amino acid conservation, physicochemical variation, residue mobility, and thermodynamic stability) performed at Invitae indicates that this missense variant is expected to disrupt ABRAXAS1 protein function. This sequence change replaces glutamine, which is neutral and polar, with histidine, which is basic and polar, at codon 282 of the ABRAXAS1 protein (p.Gln282His). This variant is not present in population databases (gnomAD no frequency). This variant has not been reported in the literature in individuals affected with ABRAXAS1-related conditions. ClinVar contains an entry for this variant (Variation ID: 1800400).